The following is an entry in ClinVar:

NM_182961.4(SYNE1):c.578G>A (p.Gly193Asp)

Gene: SYNE1 (spectrin repeat containing nuclear envelope protein 1; minus strand). Cytogenetic location: 6q25.2.
Variant type: single nucleotide variant.
Coding change: c.578G>A on transcript NM_182961.4 (MANE Select); coding-DNA position 578, G replaced by A.
Protein change: p.Gly193Asp; replaces glycine 193 with aspartic acid.
Molecular consequence: missense variant.
Genome position (GRCh38, 1-based): chr6:152,510,196, C>T on the plus strand (G>A on the coding strand, the complement: SYNE1 is on the minus strand). VCF-style: chr6-152510196-C-T. GRCh37 (hg19) VCF-style: chr6-152831331-C-T.
Other names: c.599G>A, p.Gly200Asp (NM_033071.5); short protein forms G193D, G200D.
Identifiers: ClinVar variation 569950 (VCV000569950.10), dbSNP rs555846215, ClinGen allele CA4059695.

ClinVar aggregate classification (germline): Uncertain significance. Review status: criteria provided, multiple submitters, no conflicts (2 of 4 stars). 3 submissions from 3 submitters: Uncertain significance (3). Last evaluated 2024-12-23.

Conditions:
Emery-Dreifuss muscular dystrophy 4, autosomal dominant (EDMD4). Also called: EMERY-DREIFUSS MUSCULAR DYSTROPHY 4 WITH VARIABLE FEATURES. Identifiers: Orphanet 261, MedGen C2751807, MONDO:0013071, OMIM 612998.
Autosomal recessive ataxia, Beauce type. Also called: SYNE1-Related Autosomal Recessive Cerebellar Ataxia; Spinocerebellar ataxia, autosomal recessive 8; ATAXIA, RECESSIVE, OF BEAUCE; SYNE1 Deficiency. Identifiers: Orphanet 88644, MedGen C1853116, MONDO:0012549, OMIM 610743.

Allele frequency attached by ClinVar (database versions not stated): gnomAD below 0.00001 and 0.00002; gnomAD exomes 0.00002 and 0.00006; ExAC 0.00003; TOPMed 0.00005; 1000 Genomes Project 0.00020; 1000 Genomes Project 30x 0.00047.
gnomAD v4.1: 66 of 1,613,774 alleles (0.0041%); highest among the groups gnomAD compares: East Asian, 0.04%; 2 homozygotes.

Submissions (3):

Revvity Omics, Revvity
Classification: Uncertain significance. Last evaluated: 2024-12-23. Review status: criteria provided, single submitter. Criteria: ACMG Guidelines, 2015. Collection method: clinical testing. Allele origin: germline.

Labcorp Genetics (formerly Invitae), Labcorp
Classification: Uncertain significance for Emery-Dreifuss muscular dystrophy 4, autosomal dominant; Autosomal recessive ataxia, Beauce type. Last evaluated: 2023-10-03. Review status: criteria provided, single submitter. Criteria: Invitae Variant Classification Sherloc (09022015). Collection method: clinical testing. Allele origin: germline.
Comment: This sequence change replaces glycine, which is neutral and non-polar, with aspartic acid, which is acidic and polar, at codon 200 of the SYNE1 protein (p.Gly200Asp). This variant is present in population databases (rs555846215, gnomAD 0.06%). This variant has not been reported in the literature in individuals affected with SYNE1-related conditions. ClinVar contains an entry for this variant (Variation ID: 569950). An algorithm developed to predict the effect of missense changes on protein structure and function (PolyPhen-2) suggests that this variant¬†is likely to be tolerated. In summary, the available evidence is currently insufficient to determine the role of this variant in disease. Therefore, it has been classified as a Variant of Uncertain Significance.

Athena Diagnostics
Classification: Uncertain significance. Last evaluated: 2021-06-23. Review status: criteria provided, single submitter. Criteria: Athena Diagnostics Criteria. Collection method: clinical testing. Allele origin: unknown.